The following is an entry in ClinVar:

NM_000051.4(ATM):c.766G>T (p.Asp256Tyr)

Gene: ATM (ATM serine/threonine kinase; plus strand). Cytogenetic location: 11q22.3.
Variant type: single nucleotide variant.
Coding change: c.766G>T on transcript NM_000051.4 (MANE Select); coding-DNA position 766, G replaced by T.
Protein change: p.Asp256Tyr; replaces aspartic acid 256 with tyrosine.
Molecular consequence: missense variant.
Genome position (GRCh38, 1-based): chr11:108,244,891, G>T. VCF-style: chr11-108244891-G-T. GRCh37 (hg19) VCF-style: chr11-108115618-G-T.
Other names: c.766G>T, p.Asp256Tyr (NM_001351834.2); short protein forms D256Y.
Identifiers: ClinVar variation 953326 (VCV000953326.9), dbSNP rs2079764061, ClinGen allele CA382529301.
Genomic context (GRCh38, chr11:108,244,891, plus strand): 5'-CTTACTATCTTCCTCAAGACTTTGGCTGTCAACTTTCGAATTCGAGTGTGTGAATTAGGA[G>T]ATGAAATTCTTCCCACTTTGCTTTATATTTGGACTCAACATAGGCTTAATGATTCTTTAA-3'
Protein context (NP_000042.3, residues 246-266): NFRIRVCELG[Asp256Tyr]EILPTLLYIW

ClinVar aggregate classification (germline): Uncertain significance (1 of 4 stars; one submission).

Conditions:
Ataxia-telangiectasia syndrome (AT). Also called: LOUIS-BAR SYNDROME; Ataxia telangiectasia (A-T); Cerebello-oculocutaneous telangiectasia; Immunodeficiency with ataxia telangiectasia; ATAXIA-TELANGIECTASIA, COMPLEMENTATION GROUP A; ATAXIA-TELANGIECTASIA, FRESNO VARIANT. Identifiers: Orphanet 100, MedGen C0004135, MONDO:0008840, OMIM 208900.

Submission:

Labcorp Genetics (formerly Invitae), Labcorp
Classification: Uncertain significance for Ataxia-telangiectasia syndrome. Last evaluated: 2022-01-27. Review status: criteria provided, single submitter. Criteria: Invitae Variant Classification Sherloc (09022015). Collection method: clinical testing. Allele origin: germline.
Comment: This variant has not been reported in the literature in individuals affected with ATM-related conditions. In summary, the available evidence is currently insufficient to determine the role of this variant in disease. Therefore, it has been classified as a Variant of Uncertain Significance. Advanced modeling of protein sequence and biophysical properties (such as structural, functional, and spatial information, amino acid conservation, physicochemical variation, residue mobility, and thermodynamic stability) performed at Invitae indicates that this missense variant is not expected to disrupt ATM protein function. ClinVar contains an entry for this variant (Variation ID: 953326). This variant is not present in population databases (gnomAD no frequency). This sequence change replaces aspartic acid, which is acidic and polar, with tyrosine, which is neutral and polar, at codon 256 of the ATM protein (p.Asp256Tyr).